The following is an entry in ClinVar:

ClinVar aggregate classification (germline): Uncertain significance (1 of 4 stars; one submission).

Conditions:
Hereditary pancreatitis (PCTT). Also called: PRSS1-Related Hereditary Pancreatitis; Hereditary chronic pancreatitis. Identifiers: Orphanet 676, MedGen C0238339, MONDO:0008185, OMIM 167800.

Allele frequency attached by ClinVar (database versions not stated): gnomAD 0.00002.

Submission:

Ambry Genetics
Classification: Uncertain significance for Hereditary pancreatitis. Last evaluated: 2025-11-17. Review status: criteria provided, single submitter. Criteria: Ambry Variant Classification Scheme 2023. Collection method: clinical testing. Allele origin: germline.
Comment: The p.P97H variant (also known as c.290C>A), located in coding exon 3 of the PRSS1 gene, results from a C to A substitution at nucleotide position 290. The proline at codon 97 is replaced by histidine, an amino acid with similar properties. This amino acid position is well conserved in available vertebrate species. In addition, this alteration is predicted to be deleterious by in silico analysis. Since supporting evidence is limited at this time, the clinical significance of this alteration remains unclear.

NM_002769.5(PRSS1):c.290C>A (p.Pro97His)

Genes: PRSS1 (serine protease 1; plus strand), TRB (T cell receptor beta locus; plus strand). Cytogenetic location: 7q34.
Variant type: single nucleotide variant.
Coding change: c.290C>A on transcript NM_002769.5 (MANE Select); coding-DNA position 290, C replaced by A.
Protein change: p.Pro97His; replaces proline 97 with histidine.
Molecular consequence: missense variant. On other transcripts: non-coding transcript variant (4).
Genome position (GRCh38, 1-based): chr7:142,751,863, C>A. VCF-style: chr7-142751863-C-A. GRCh37 (hg19) VCF-style: chr7-142459714-C-A.
Other names: short protein forms P97H.
Identifiers: ClinVar variation 2624548 (VCV002624548.3), dbSNP rs765315575, ClinGen allele CA168148513.
Genomic context (GRCh38, chr7:142,751,863, plus strand): 5'-ACATCGAAGTCCTGGAGGGGAATGAGCAGTTCATCAATGCAGCCAAGATCATCCGCCACC[C>A]CCAATACGACAGGAAGACTCTGAACAATGACATCATGTTAATCAAGCTCTCCTCACGTGC-3'
Protein context (NP_002760.1, residues 87-107): FINAAKIIRH[Pro97His]QYDRKTLNND